The following is an entry in ClinVar:

NM_003238.6(TGFB2):c.588C>T (p.Gly196=)

Gene: TGFB2 (transforming growth factor beta 2; plus strand). Cytogenetic location: 1q41.
Variant type: single nucleotide variant.
Coding change: c.588C>T on transcript NM_003238.6 (MANE Select); coding-DNA position 588, C replaced by T.
Protein change: p.Gly196=; no amino-acid change (glycine 196 retained).
Molecular consequence: synonymous variant. On other transcripts: non-coding transcript variant (2).
Genome position (GRCh38, 1-based): chr1:218,434,159, C>T. VCF-style: chr1-218434159-C-T. GRCh37 (hg19) VCF-style: chr1-218607501-C-T.
Other names: c.672C>T, p.Gly224= (NM_001135599.4); c.672C>T (NM_001135599.3).
Identifiers: ClinVar variation 264449 (VCV000264449.27), dbSNP rs192335285, ClinGen allele CA1398547.
Genomic context (GRCh38, chr1:218,434,159, plus strand): 5'-TTTAACATCTCCAACCCAGCGCTACATCGACAGCAAAGTTGTGAAAACAAGAGCAGAAGG[C>T]GAATGGCTCTCCTTCGATGTAACTGATGCTGTTCATGAATGGCTTCACCATAAAGGTTAC-3'
Protein context (NP_003229.1, residues 186-206): DSKVVKTRAE[Gly196=]EWLSFDVTDA

ClinVar aggregate classification (germline): Conflicting classifications of pathogenicity. Review status: criteria provided, conflicting classifications (1 of 4 stars). 7 submissions from 7 submitters: Uncertain significance (1); Benign (1); Likely benign (4). 1 of the submissions does not count toward it. Last evaluated 2025-10-08.

Conditions:
TGFB2-related disorder. Also called: TGFB2-related condition.
Ehlers-Danlos syndrome (EDS). Identifiers: Orphanet 98249, MedGen C0013720, MONDO:0020066.
Loeys-Dietz syndrome 4 (LDS4). Also called: ANEURYSM, AORTIC AND CEREBRAL, WITH ARTERIAL TORTUOSITY AND SKELETAL MANIFESTATIONS; TGFB2-Related Loeys-Dietz Syndrome. Identifiers: MedGen C3553762, MONDO:0013897, OMIM 614816.
Familial thoracic aortic aneurysm and aortic dissection (TAAD). Also called: Thoracic aortic aneurysms and dissections. Identifiers: Orphanet 91387, MedGen C4707243, MONDO:0019625.

Allele frequency attached by ClinVar (database versions not stated): gnomAD exomes 0.00011 and 0.00030; ExAC 0.00020; 1000 Genomes Project 30x 0.00031; gnomAD 0.00037 and 0.00038; 1000 Genomes Project 0.00040.
gnomAD v4.1: 216 of 1,614,170 alleles (0.013%); highest among the groups gnomAD compares: East Asian, 0.0022%; 1 homozygote.

Submissions (7):

Labcorp Genetics (formerly Invitae), Labcorp
Classification: Benign for Loeys-Dietz syndrome 4. Last evaluated: 2025-10-08. Review status: criteria provided, single submitter. Criteria: Invitae Variant Classification Sherloc (09022015). Collection method: clinical testing. Allele origin: germline.

Molecular Diagnostic Laboratory for Inherited Cardiovascular Disease, Montreal Heart Institute
Classification: Likely benign. Last evaluated: 2025-04-09. Review status: criteria provided, single submitter. Criteria: ACMG Guidelines, 2015. Collection method: clinical testing. Allele origin: germline. Affected: no.

Ambry Genetics
Classification: Uncertain significance for Familial thoracic aortic aneurysm and aortic dissection. Last evaluated: 2024-08-06. Review status: criteria provided, single submitter. Criteria: Ambry Variant Classification Scheme 2023. Collection method: clinical testing. Allele origin: germline.
Comment: The c.588C>T variant (also known as p.G196G), located in coding exon 3 of the TGFB2 gene. This variant results from a C to T substitution at nucleotide position 588. This nucleotide substitution does not change the glycine at codon 196.This nucleotide position is poorly conserved in available vertebrate species. In silico splice site analysis predicts that this alteration will result in the creation or strengthening of a novel splice donor site. Since supporting evidence is limited at this time, the clinical significance of this alteration remains unclear.

Blueprint Genetics
Classification: Likely benign. Last evaluated: 2024-07-05. Review status: criteria provided, single submitter. Criteria: ACMG Guidelines, 2015. Collection method: clinical testing. Allele origin: germline.

GeneDx
Classification: Likely benign. Last evaluated: 2021-05-06. Review status: criteria provided, single submitter. Criteria: GeneDx Variant Classification Process June 2021. Collection method: clinical testing. Allele origin: germline. Affected: yes.

Genome Diagnostics Laboratory, The Hospital for Sick Children
Classification: Likely benign for Ehlers-Danlos syndrome. Last evaluated: 2020-03-01. Review status: criteria provided, single submitter. Criteria: ACMG Guidelines, 2015. Collection method: clinical testing. Allele origin: germline.

PreventionGenetics, part of Exact Sciences
Classification: Likely benign for TGFB2-related condition. Last evaluated: 2024-08-23. Review status: no assertion criteria provided. Collection method: clinical testing. Allele origin: germline. Not counted in ClinVar's aggregate classification.
Comment: This variant is classified as likely benign based on ACMG/AMP sequence variant interpretation guidelines (Richards et al. 2015 PMID: 25741868, with internal and published modifications).